The following is an entry in ClinVar:

ClinVar aggregate classification (germline): Conflicting classifications of pathogenicity. Review status: criteria provided, conflicting classifications (1 of 4 stars). 4 submissions from 4 submitters: Uncertain significance (1); Benign (2). 1 of the submissions does not count toward it. Last evaluated 2022-06-20.

Conditions:
DNHD1-related disorder. Also called: DNHD1-related condition.
Spermatogenic failure 65 (SPGF65). Identifiers: MedGen C5562067, MONDO:0030531, OMIM 619712.

Allele frequency attached by ClinVar (database versions not stated): gnomAD 0.00030 and 0.00054; gnomAD exomes 0.00045 and 0.00105; TOPMed 0.00081; ExAC 0.00089; 1000 Genomes Project 30x 0.00265; 1000 Genomes Project 0.00339.
gnomAD v4.1: 727 of 1,551,758 alleles (0.047%); highest among the groups gnomAD compares: East Asian, 0.96%; 9 homozygotes.

Submissions (4):

SIB Swiss Institute of Bioinformatics
Classification: Uncertain significance for Spermatogenic failure 65. Last evaluated: 2022-06-20. Review status: criteria provided, single submitter. Criteria: ACMG Guidelines, 2015. Collection method: curation. Allele origin: unknown.
Comment: This variant is interpreted as variant of uncertain significance for Spermatogenic failure 65, autosomal recessive. The following ACMG Tag(s) were applied: For recessive disorders, detected in trans with a pathogenic variant (PM3); Well-established functional studies show a deleterious effect (PS3 downgraded to moderate); Multiple lines of computational evidence support a deleterious effect on the gene or gene product (PP3).

Labcorp Genetics (formerly Invitae), Labcorp
Classification: Benign. Last evaluated: 2019-12-31. Review status: criteria provided, single submitter. Criteria: Invitae Variant Classification Sherloc (09022015). Collection method: clinical testing. Allele origin: germline.

Breakthrough Genomics
Classification: Benign. Review status: criteria provided, single submitter. Criteria: ACMG Guidelines, 2015. Collection method: not provided. Allele origin: germline. Inheritance: Autosomal recessive inheritance. Affected: yes.

PreventionGenetics, part of Exact Sciences
Classification: Benign for DNHD1-related condition. Last evaluated: 2019-08-28. Review status: no assertion criteria provided. Collection method: clinical testing. Allele origin: germline. Not counted in ClinVar's aggregate classification.
Comment: This variant is classified as benign based on ACMG/AMP sequence variant interpretation guidelines (Richards et al. 2015 PMID: 25741868, with internal and published modifications).

Literature cited by the submitters: PubMed 34932939 (cited by SIB Swiss Institute of Bioinformatics).

NM_144666.3(DNHD1):c.4072C>T (p.Arg1358Cys)

Gene: DNHD1 (dynein heavy chain domain 1; plus strand). Cytogenetic location: 11p15.4.
Variant type: single nucleotide variant.
Coding change: c.4072C>T on transcript NM_144666.3 (MANE Select); coding-DNA position 4072, C replaced by T.
Protein change: p.Arg1358Cys; replaces arginine 1358 with cysteine.
Molecular consequence: missense variant.
Genome position (GRCh38, 1-based): chr11:6,545,011, C>T. VCF-style: chr11-6545011-C-T. GRCh37 (hg19) VCF-style: chr11-6566241-C-T.
Other names: short protein forms R1358C.
Identifiers: ClinVar variation 722069 (VCV000722069.8), dbSNP rs12574381, ClinGen allele CA5855972.